The following is an entry in ClinVar:

ClinVar aggregate classification (germline): Uncertain significance. Review status: criteria provided, multiple submitters, no conflicts (2 of 4 stars). 2 submissions from 2 submitters: Uncertain significance (2). Last evaluated 2024-06-09.

Conditions:
Rienhoff syndrome. Also called: LOEYS-DIETZ SYNDROME 5. Identifiers: MedGen C3810012, MONDO:0014262, OMIM 615582.
Familial thoracic aortic aneurysm and aortic dissection (TAAD). Also called: Thoracic aortic aneurysms and dissections. Identifiers: Orphanet 91387, MedGen C4707243, MONDO:0019625.

Allele frequency attached by ClinVar (database versions not stated): TOPMed 0.00001.

Submissions (2):

Labcorp Genetics (formerly Invitae), Labcorp
Classification: Uncertain significance for Rienhoff syndrome. Last evaluated: 2024-06-09. Review status: criteria provided, single submitter. Criteria: Invitae Variant Classification Sherloc (09022015). Collection method: clinical testing. Allele origin: germline.
Comment: This sequence change replaces histidine, which is basic and polar, with asparagine, which is neutral and polar, at codon 243 of the TGFB3 protein (p.His243Asn). This variant is not present in population databases (gnomAD no frequency). This variant has not been reported in the literature in individuals affected with TGFB3-related conditions. ClinVar contains an entry for this variant (Variation ID: 1385203). An algorithm developed to predict the effect of missense changes on protein structure and function (PolyPhen-2) suggests that this variant is likely to be tolerated. In summary, the available evidence is currently insufficient to determine the role of this variant in disease. Therefore, it has been classified as a Variant of Uncertain Significance.

Ambry Genetics
Classification: Uncertain significance for Familial thoracic aortic aneurysm and aortic dissection. Last evaluated: 2023-09-01. Review status: criteria provided, single submitter. Criteria: Ambry Variant Classification Scheme 2023. Collection method: clinical testing. Allele origin: germline.
Comment: The p.H243N variant (also known as c.727C>A), located in coding exon 4 of the TGFB3 gene, results from a C to A substitution at nucleotide position 727. The histidine at codon 243 is replaced by asparagine, an amino acid with similar properties. This amino acid position is conserved. In addition, this alteration is predicted to be tolerated by in silico analysis. Since supporting evidence is limited at this time, the clinical significance of this alteration remains unclear.

NM_003239.5(TGFB3):c.727C>A (p.His243Asn)

Gene: TGFB3 (transforming growth factor beta 3; minus strand). Cytogenetic location: 14q24.3.
Variant type: single nucleotide variant.
Coding change: c.727C>A on transcript NM_003239.5 (MANE Select); coding-DNA position 727, C replaced by A.
Protein change: p.His243Asn; replaces histidine 243 with asparagine.
Molecular consequence: missense variant.
Genome position (GRCh38, 1-based): chr14:75,965,615, G>T on the plus strand (C>A on the coding strand, the complement: TGFB3 is on the minus strand). VCF-style: chr14-75965615-G-T. GRCh37 (hg19) VCF-style: chr14-76431958-G-T.
Other names: c.727C>A, p.His243Asn (NM_001329938.2, NM_001329939.2); c.727C>A (NM_003239.2); short protein forms H243N.
Identifiers: ClinVar variation 1385203 (VCV001385203.9), dbSNP rs1045402283, ClinGen allele CA263704277.
Genomic context (GRCh38, chr14:75,965,615, plus strand): 5'-CACCCATCCTACCATACACATTCATTTTGTTACCTTTGAATTTGATTTCCATCACCTCGT[G>T]AATGTTTTCCAGGATATCTCCATTGGGCTGAAAGGTGTGACATGGACAGTGAATGCTGAT-3'
Protein context (NP_003230.1, residues 233-253): QPNGDILENI[His243Asn]EVMEIKFKGV